The following is an entry in ClinVar:

NM_001385012.1(NBEA):c.5616T>G (p.Ala1872=)

Gene: NBEA (neurobeachin; plus strand). Cytogenetic location: 13q13.3.
Variant type: single nucleotide variant.
Coding change: c.5616T>G on transcript NM_001385012.1 (MANE Select); coding-DNA position 5616, T replaced by G.
Protein change: p.Ala1872=; no amino-acid change (alanine 1872 retained).
Molecular consequence: synonymous variant.
Genome position (GRCh38, 1-based): chr13:35,211,147, T>G. VCF-style: chr13-35211147-T-G. GRCh37 (hg19) VCF-style: chr13-35785284-T-G.
Other names: c.5607T>G, p.Ala1869= (NM_001379245.1); c.5616T>G, p.Ala1872= (NM_015678.5).
Identifiers: ClinVar variation 2643754 (VCV002643754.25), dbSNP rs374230514, ClinGen allele CA6947125.

ClinVar aggregate classification (germline): Likely benign. Review status: criteria provided, multiple submitters, no conflicts (2 of 4 stars). 2 submissions from 2 submitters: Likely benign (2). Last evaluated 2024-11-22.

Allele frequency attached by ClinVar (database versions not stated): gnomAD 0.00003; ESP Exome Variant Server 0.00008; gnomAD exomes 0.00015.
gnomAD v4.1: 217 of 1,554,390 alleles (0.014%); highest among the groups gnomAD compares: Non-Finnish European, 0.018%; no homozygotes.

Submissions (2):

Blueprint Genetics
Classification: Likely benign. Last evaluated: 2024-11-22. Review status: criteria provided, single submitter. Criteria: ACMG Guidelines, 2015. Collection method: clinical testing. Allele origin: germline.

CeGaT Center for Human Genetics Tuebingen
Classification: Likely benign. Last evaluated: 2023-08-01. Review status: criteria provided, single submitter. Criteria: CeGaT Center For Human Genetics Tuebingen Variant Classification Criteria Version 2. Collection method: clinical testing. Allele origin: germline. Affected: yes. Observed: 2 variant alleles.
Comment: NBEA: BP4, BP7